The following is an entry in ClinVar:

ClinVar aggregate classification (germline): Pathogenic (1 of 4 stars; one submission).

Conditions:
Inborn genetic diseases. Identifiers: MedGen C0950123, MeSH D030342.
Ocular cystinosis. Also called: Non-Nephropathic Cystinosis; Non-Nephropathic (Ocular) Cystinosis. Identifiers: Orphanet 213, Orphanet 411641, MedGen C2931013, MONDO:0009064, OMIM 219750.
Juvenile nephropathic cystinosis. Also called: Intermediate Cystinosis; CYSTINOSIS, LATE-ONSET JUVENILE OR ADOLESCENT NEPHROPATHIC TYPE; Later-Onset (Juvenile) Cystinosis. Identifiers: Orphanet 213, Orphanet 411634, MedGen C0268626, MONDO:0009066, OMIM 219900.

Submission:

Labcorp Genetics (formerly Invitae), Labcorp
Classification: Pathogenic for Inborn genetic diseases; Ocular cystinosis; Juvenile nephropathic cystinosis. Last evaluated: 2021-03-17. Review status: criteria provided, single submitter. Criteria: Invitae Variant Classification Sherloc (09022015). Collection method: clinical testing. Allele origin: germline.
Comment: For these reasons, this variant has been classified as Pathogenic. This variant has not been reported in the literature in individuals with CTNS-related conditions. This variant is not present in population databases (ExAC no frequency). This sequence change creates a premature translational stop signal (p.Trp150*) in the CTNS gene. It is expected to result in an absent or disrupted protein product. Loss-of-function variants in CTNS are known to be pathogenic (PMID: 9537412, 27102039).

Literature cited by the submitters: PubMed 9537412; PubMed 27102039.

NM_004937.3(CTNS):c.449G>A (p.Trp150Ter)

Genes: CTNS-AS1 (CTNS antisense RNA 1; minus strand), CTNS (cystinosin, lysosomal cystine transporter; plus strand). Cytogenetic location: 17p13.2.
Variant type: single nucleotide variant.
Coding change: c.449G>A on transcript NM_004937.3 (MANE Select); coding-DNA position 449, G replaced by A.
Protein change: p.Trp150Ter; replaces tryptophan 150 with a stop codon.
Molecular consequence: nonsense.
Genome position (GRCh38, 1-based): chr17:3,655,340, G>A. VCF-style: chr17-3655340-G-A. GRCh37 (hg19) VCF-style: chr17-3558634-G-A.
Other names: c.449G>A, p.Trp150Ter (NM_001031681.3, NM_001374492.1); c.8G>A, p.Trp3Ter (NM_001374493.1, NM_001374494.1, NM_001374495.1 and 1 more transcripts); short protein forms W150*, W3*.
Identifiers: ClinVar variation 1395082 (VCV001395082.8), dbSNP rs2076101974, ClinGen allele CA397690828.
Genomic context (GRCh38, chr17:3,655,340, plus strand): 5'-TTGGCTGGATCTACTTTGTGGCCTGGTCCATCTCCTTCTACCCTCAGGTGATCATGAATT[G>A]GAGGCGGAAAAGGTAACCCCCTGGGCCGTATGTGCAGGCTCTCTCGGGGCCCCTAGGAGC-3'